The following is an entry in ClinVar:

NM_001197104.2(KMT2A):c.7062T>C (p.Phe2354=)

Gene: KMT2A (lysine methyltransferase 2A; plus strand). Cytogenetic location: 11q23.3.
Variant type: single nucleotide variant.
Coding change: c.7062T>C on transcript NM_001197104.2 (MANE Select); coding-DNA position 7062, T replaced by C.
Protein change: p.Phe2354=; no amino-acid change (phenylalanine 2354 retained).
Molecular consequence: synonymous variant.
Genome position (GRCh38, 1-based): chr11:118,502,954, T>C. VCF-style: chr11-118502954-T-C. GRCh37 (hg19) VCF-style: chr11-118373669-T-C.
Other names: c.7053T>C, p.Phe2351= (NM_005933.4).
Identifiers: ClinVar variation 871219 (VCV000871219.49), dbSNP rs782164421, ClinGen allele CA6304349.

ClinVar aggregate classification (germline): Likely benign. Review status: criteria provided, multiple submitters, no conflicts (2 of 4 stars). 4 submissions from 4 submitters: Likely benign (4). Last evaluated 2025-12-01.

Allele frequency attached by ClinVar (database versions not stated): ExAC 0.00002; gnomAD 0.00003; TOPMed 0.00003; gnomAD exomes 0.00004 and 0.00005.
gnomAD v4.1: 74 of 1,614,088 alleles (0.0046%); highest among the groups gnomAD compares: Middle Eastern, 0.016%; 1 homozygote.

Submissions (4):

Labcorp Genetics (formerly Invitae), Labcorp
Classification: Likely benign. Last evaluated: 2025-12-01. Review status: criteria provided, single submitter. Criteria: Invitae Variant Classification Sherloc (09022015). Collection method: clinical testing. Allele origin: germline.

Blueprint Genetics
Classification: Likely benign. Last evaluated: 2024-04-30. Review status: criteria provided, single submitter. Criteria: ACMG Guidelines, 2015. Collection method: clinical testing. Allele origin: germline.

CeGaT Center for Human Genetics Tuebingen
Classification: Likely benign. Last evaluated: 2023-02-01. Review status: criteria provided, single submitter. Criteria: CeGaT Center For Human Genetics Tuebingen Variant Classification Criteria Version 2. Collection method: clinical testing. Allele origin: germline. Affected: yes. Observed: 2 variant alleles.
Comment: KMT2A: BP4, BP7

GeneDx
Classification: Likely benign. Last evaluated: 2020-08-03. Review status: criteria provided, single submitter. Criteria: GeneDx Variant Classification Process June 2021. Collection method: clinical testing. Allele origin: germline. Affected: yes.